The following is an entry in ClinVar:

ClinVar aggregate classification (germline): Uncertain significance (1 of 4 stars; one submission).

Allele frequency attached by ClinVar (database versions not stated): gnomAD exomes below 0.00001; TOPMed below 0.00001.
gnomAD v4.1: 1 of 1,604,478 alleles (0.000062%); highest among the groups gnomAD compares: Non-Finnish European, 0.000085%; no homozygotes.

Submission:

GeneDx
Classification: Uncertain significance. Last evaluated: 2022-01-18. Review status: criteria provided, single submitter. Criteria: GeneDx Variant Classification Process June 2021. Collection method: clinical testing. Allele origin: germline. Affected: yes.
Comment: Not observed at significant frequency in large population cohorts (gnomAD); In silico analysis supports that this missense variant does not alter protein structure/function; Has not been previously published as pathogenic or benign to our knowledge

NM_052876.4(NACC1):c.754G>A (p.Val252Met)

Gene: NACC1 (nucleus accumbens associated 1; plus strand). Cytogenetic location: 19p13.13.
Variant type: single nucleotide variant.
Coding change: c.754G>A on transcript NM_052876.4 (MANE Select); coding-DNA position 754, G replaced by A.
Protein change: p.Val252Met; replaces valine 252 with methionine.
Molecular consequence: missense variant.
Genome position (GRCh38, 1-based): chr19:13,135,961, G>A. VCF-style: chr19-13135961-G-A. GRCh37 (hg19) VCF-style: chr19-13246775-G-A.
Other names: short protein forms V252M.
Identifiers: ClinVar variation 1697089 (VCV001697089.2), dbSNP rs1393217305, ClinGen allele CA404326105.